The following is an entry in ClinVar:

NM_032849.4(MEDAG):c.396G>A (p.Thr132=)

Genes: MEDAG (mesenteric estrogen dependent adipogenesis; plus strand), TEX26-AS1 (TEX26 antisense RNA 1; minus strand). Cytogenetic location: 13q12.3.
Variant type: single nucleotide variant.
Coding change: c.396G>A on transcript NM_032849.4 (MANE Select); coding-DNA position 396, G replaced by A.
Protein change: p.Thr132=; no amino-acid change (threonine 132 retained).
Molecular consequence: synonymous variant.
Genome position (GRCh38, 1-based): chr13:30,921,021, G>A. VCF-style: chr13-30921021-G-A. GRCh37 (hg19) VCF-style: chr13-31495158-G-A.
Identifiers: ClinVar variation 2643712 (VCV002643712.24), dbSNP rs41291239, ClinGen allele CA6935022.

ClinVar aggregate classification (germline): Likely benign (1 of 4 stars; one submission).

Allele frequency attached by ClinVar (database versions not stated): 1000 Genomes Project 0.00100; ESP Exome Variant Server 0.00108; 1000 Genomes Project 30x 0.00125; TOPMed 0.00136; ExAC 0.00305.
gnomAD v4.1: 3,648 of 1,613,278 alleles (0.23%); highest among the groups gnomAD compares: Non-Finnish European, 0.26%; 7 homozygotes.

Submission:

CeGaT Center for Human Genetics Tuebingen
Classification: Likely benign. Last evaluated: 2022-11-01. Review status: criteria provided, single submitter. Criteria: CeGaT Center For Human Genetics Tuebingen Variant Classification Criteria Version 2. Collection method: clinical testing. Allele origin: germline. Affected: yes. Observed: 1 variant allele.
Comment: MEDAG: BP4, BP7, BS2; TEX26-AS1: BS2